The following is an entry in ClinVar:

ClinVar aggregate classification (germline): Pathogenic. Review status: reviewed by expert panel (3 of 4 stars). 2 submissions from 2 submitters: Pathogenic (1). 1 of the submissions does not count toward it. Last evaluated 2016-09-08.

Conditions:
Breast-ovarian cancer, familial, susceptibility to, 1 (BROVCA1). Also called: BRCA1 Hereditary Breast and Ovarian Cancer; OVARIAN CANCER, SUSCEPTIBILITY TO. Identifiers: Orphanet 145, MedGen C2676676, MONDO:0011450, OMIM 604370. Disease mechanism: loss of function.

Submissions (2):

Evidence-based Network for the Interpretation of Germline Mutant Alleles (ENIGMA)
Classification: Pathogenic for Breast-ovarian cancer, familial, susceptibility to, 1. Last evaluated: 2016-09-08. Review status: reviewed by expert panel. Criteria: ENIGMA BRCA1/2 Classification Criteria (2015). Collection method: curation. Allele origin: germline.
Comment: Variant allele predicted to encode a truncated non-functional protein.

Breast Cancer Information Core (BIC) (BRCA1)
Classification: Pathogenic for Breast-ovarian cancer, familial 1. Last evaluated: 2006-07-19. Review status: no assertion criteria provided. Collection method: clinical testing. Allele origin: unknown. Affected: yes. Observed: 1 variant allele. Not counted in ClinVar's aggregate classification.

NM_007294.4(BRCA1):c.3620dup (p.Lys1208fs)

Genes: BRCA1 (BRCA1 DNA repair associated; minus strand), LOC126862571 (BRD4-independent group 4 enhancer GRCh37_chr17:41243136-41244335; plus strand). Cytogenetic location: 17q21.31.
Variant type: Duplication.
Coding change: c.3620dup on transcript NM_007294.4 (MANE Select); coding-DNA position 3620, one base duplicated (A; older notation c.3620dupA).
Protein change: p.Lys1208fs; shifts the reading frame from lysine 1208.
Molecular consequence: frameshift variant. On other transcripts: intron variant (135).
Genome position (GRCh38, 1-based): chr17:43,091,911, T duplicated on the plus strand (A on the coding strand, the reverse complement: BRCA1 is on the minus strand); the first of 2 consecutive T bases (chr17:43,091,911-43,091,912); duplicating either gives the same sequence. VCF-style (leftmost placement, unchanged base first): chr17-43091910-C-CT. GRCh37 (hg19) VCF-style: chr17-41243927-C-CT.
Other names: 3739insA; c.3620dupA (NM_007294.3); c.710-879dup (NM_001408414.1, NM_001408411.1, NM_001408415.1 and 2 more transcripts); c.578-879dup (NM_001408514.1, NM_001408485.1, NM_001408483.1 and 9 more transcripts); c.662-879dup (NM_001408447.1, NM_001408433.1, NM_001408446.1 and 6 more transcripts); c.785-879dup (NM_001408400.1, NM_001408392.1, NM_001407986.1 and 13 more transcripts); c.665-879dup (NM_001408441.1, NM_001408437.1, NM_001408429.1 and 12 more transcripts); c.788-879dup (NM_001407979.1, NM_001407977.1, NM_001407982.1 and 17 more transcripts); and 43 more; short protein forms K1208fs, K1161fs, K1138fs, K1166fs, K340fs, K1080fs, K1207fs, K912fs.
Identifiers: ClinVar variation 125642 (VCV000125642.4), dbSNP rs80357926, ClinGen allele CA002315.
Genomic context (GRCh38, chr17:43,091,910, plus strand): 5'-TTGGAAGCAGGGAAGCTCTTCATCCTCACTAGATAAGTTCTCTTCTGAGGACTCTAATTT[C>CT]TTGGCCCCTCTTCGGTAACCCTGAGCCAAATGTGTATGGGTGAAAGGGCTAGGACTCCTG-3'